The following is an entry in ClinVar:

NM_001330700.2(TOP2B):c.2890A>G (p.Met964Val)

Gene: TOP2B (DNA topoisomerase II beta; minus strand). Cytogenetic location: 3p24.2.
Variant type: single nucleotide variant.
Coding change: c.2890A>G on transcript NM_001330700.2 (MANE Select); coding-DNA position 2890, A replaced by G.
Protein change: p.Met964Val; replaces methionine 964 with valine.
Molecular consequence: missense variant.
Genome position (GRCh38, 1-based): chr3:25,620,035, T>C on the plus strand (A>G on the coding strand, the complement: TOP2B is on the minus strand). VCF-style: chr3-25620035-T-C. GRCh37 (hg19) VCF-style: chr3-25661526-T-C.
Other names: c.2875A>G (NM_001068.2); c.2875A>G, p.Met959Val (NM_001068.3); c.2890A>G (NM_001330700.1); short protein forms M959V, M964V.
Identifiers: ClinVar variation 1429431 (VCV001429431.10), dbSNP rs368588412, ClinGen allele CA2288401.

ClinVar aggregate classification (germline): Uncertain significance. Review status: criteria provided, multiple submitters, no conflicts (2 of 4 stars). 3 submissions from 3 submitters: Uncertain significance (3). Last evaluated 2025-10-06.

Conditions:
TOP2B-related disorder. Also called: TOP2B-related condition.

Allele frequency attached by ClinVar (database versions not stated): gnomAD exomes below 0.00001 and 0.00001; TOPMed 0.00001; ExAC 0.00002; ESP Exome Variant Server 0.00009.
gnomAD v4.1: 6 of 1,555,460 alleles (0.00039%); highest among the groups gnomAD compares: South Asian, 0.0023%; no homozygotes.

Submissions (3):

Labcorp Genetics (formerly Invitae), Labcorp
Classification: Uncertain significance. Last evaluated: 2025-10-06. Review status: criteria provided, single submitter. Criteria: Invitae Variant Classification Sherloc (09022015). Collection method: clinical testing. Allele origin: germline.
Comment: This sequence change replaces methionine, which is neutral and non-polar, with valine, which is neutral and non-polar, at codon 959 of the TOP2B protein (p.Met959Val). This variant is present in population databases (rs368588412, gnomAD 0.004%). This variant has not been reported in the literature in individuals affected with TOP2B-related conditions. ClinVar contains an entry for this variant (Variation ID: 1429431). An algorithm developed to predict the effect of missense changes on protein structure and function (PolyPhen-2) suggests that this variant is likely to be tolerated. In summary, the available evidence is currently insufficient to determine the role of this variant in disease. Therefore, it has been classified as a Variant of Uncertain Significance.

PreventionGenetics, part of Exact Sciences
Classification: Uncertain significance for TOP2B-related condition. Last evaluated: 2025-03-19. Review status: criteria provided, single submitter. Criteria: ACMG Guidelines, 2015. Collection method: clinical testing. Allele origin: germline.
Comment: The TOP2B c.2890A>G variant is predicted to result in the amino acid substitution p.Met964Val. To our knowledge, this variant has not been reported in the literature. This variant is reported in 0.0040% of alleles in individuals of South Asian descent in gnomAD. At this time, the clinical significance of this variant is uncertain due to the absence of conclusive functional and genetic evidence.

Ambry Genetics
Classification: Uncertain significance. Last evaluated: 2024-09-02. Review status: criteria provided, single submitter. Criteria: Ambry Variant Classification Scheme 2023. Collection method: clinical testing. Allele origin: germline.